The following is an entry in ClinVar:

ClinVar aggregate classification (germline): Likely benign. Review status: criteria provided, multiple submitters, no conflicts (2 of 4 stars). 3 submissions from 3 submitters: Likely benign (3). Last evaluated 2024-10-21.

Allele frequency attached by ClinVar (database versions not stated): gnomAD exomes 0.00002 and 0.00004; TOPMed 0.00002; ExAC 0.00003; ESP Exome Variant Server 0.00015.
gnomAD v4.1: 71 of 1,611,000 alleles (0.0044%); highest among the groups gnomAD compares: Middle Eastern, 0.017%; no homozygotes.

Submissions (3):

Labcorp Genetics (formerly Invitae), Labcorp
Classification: Likely benign. Last evaluated: 2024-10-21. Review status: criteria provided, single submitter. Criteria: Invitae Variant Classification Sherloc (09022015). Collection method: clinical testing. Allele origin: germline.

CeGaT Center for Human Genetics Tuebingen
Classification: Likely benign. Last evaluated: 2022-10-01. Review status: criteria provided, single submitter. Criteria: CeGaT Center For Human Genetics Tuebingen Variant Classification Criteria Version 2. Collection method: clinical testing. Allele origin: germline. Affected: yes. Observed: 1 variant allele.
Comment: VPS13A: BP4, BP7

Blueprint Genetics
Classification: Likely benign. Last evaluated: 2021-02-04. Review status: criteria provided, single submitter. Criteria: ACMG Guidelines, 2015. Collection method: clinical testing. Allele origin: germline.

NM_033305.3(VPS13A):c.5037G>A (p.Thr1679=)

Gene: VPS13A (vacuolar protein sorting 13 homolog A; plus strand). Cytogenetic location: 9q21.2.
Variant type: single nucleotide variant.
Coding change: c.5037G>A on transcript NM_033305.3 (MANE Select); coding-DNA position 5037, G replaced by A.
Protein change: p.Thr1679=; no amino-acid change (threonine 1679 retained).
Molecular consequence: synonymous variant.
Genome position (GRCh38, 1-based): chr9:77,318,315, G>A. VCF-style: chr9-77318315-G-A. GRCh37 (hg19) VCF-style: chr9-79933231-G-A.
Other names: c.4920G>A, p.Thr1640= (NM_001018037.2); c.5037G>A, p.Thr1679= (NM_001018038.3, NM_015186.4).
Identifiers: ClinVar variation 1116427 (VCV001116427.33), dbSNP rs369887529, ClinGen allele CA5092675.